The following is an entry in ClinVar:

NM_001142864.4(PIEZO1):c.2051T>A (p.Ile684Asn)

Genes: HSALR1 (HSP90AB1 associated lncRNA 1; plus strand), PIEZO1 (piezo type mechanosensitive ion channel component 1 (Er blood group); minus strand). Cytogenetic location: 16q24.3.
Variant type: single nucleotide variant.
Coding change: c.2051T>A on transcript NM_001142864.4 (MANE Select); coding-DNA position 2051, T replaced by A.
Protein change: p.Ile684Asn; replaces isoleucine 684 with asparagine.
Molecular consequence: missense variant.
Genome position (GRCh38, 1-based): chr16:88,734,485, A>T on the plus strand (T>A on the coding strand, the complement: PIEZO1 is on the minus strand). VCF-style: chr16-88734485-A-T. GRCh37 (hg19) VCF-style: chr16-88800893-A-T.
Other names: p.Ile684Asn; short protein forms I684N.
Identifiers: ClinVar variation 4542098 (VCV004542098.1).
Genomic context (GRCh38, chr16:88,734,485, plus strand): 5'-GGCCTGTGGAAGTAGTGCAGCTGCAGGATGCAGGCCAGGAGGAAGAAGCCGGGCACCAGG[A>T]TGCTGGAGAAGAGCTCGGACACGCTGAACTGCTCCAGGCCCAGGTCCCCCAGCCTGTGGA-3'
Protein context (NP_001136336.2, residues 674-694): QFSVSELFSS[Ile684Asn]LVPGFFLLAC

ClinVar aggregate classification (germline): Uncertain significance (1 of 4 stars; one submission).

Submission:

Mayo Clinic Laboratories, Mayo Clinic
Classification: Uncertain significance. Last evaluated: 2025-08-29. Review status: criteria provided, single submitter. Criteria: ACMG Guidelines, 2015. Collection method: clinical testing. Allele origin: germline. Observed: 1 variant allele.
Comment: PM2_supporting